The following is an entry in ClinVar:

NM_144973.4(DENND5B):c.3389C>A (p.Ala1130Asp)

Gene: DENND5B (DENN domain containing 5B; minus strand). Cytogenetic location: 12p11.21.
Variant type: single nucleotide variant.
Coding change: c.3389C>A on transcript NM_144973.4 (MANE Select); coding-DNA position 3389, C replaced by A.
Protein change: p.Ala1130Asp; replaces alanine 1130 with aspartic acid.
Molecular consequence: missense variant.
Genome position (GRCh38, 1-based): chr12:31,392,344, G>T on the plus strand (C>A on the coding strand, the complement: DENND5B is on the minus strand). VCF-style: chr12-31392344-G-T. GRCh37 (hg19) VCF-style: chr12-31545278-G-T.
Other names: c.3494C>A, p.Ala1165Asp (NM_001308339.2); short protein forms A1130D, A1165D.
Identifiers: ClinVar variation 4879243 (VCV004879243.1).

ClinVar aggregate classification (germline): Uncertain significance (1 of 4 stars; one submission).

Conditions:
DENND5B-related disorder.

Submission:

Clinical Genomics Laboratory, Washington University in St. Louis
Classification: Uncertain significance for DENND5B-related disorder. Last evaluated: 2026-02-28. Review status: criteria provided, single submitter. Criteria: ACMG Guidelines, 2015. Collection method: clinical testing. Allele origin: germline.
Comment: The DENND5B c.3389C>A (p.Ala1130Asp) variant, to our knowledge, has not been reported in the medical literature and is absent from the general population (gnomAD v2.1.1), indicating it is not a common variant. Computational predictors are uncertain as to the impact of this variant on DENND5B function. Due to limited information, the clinical significance of this variant is uncertain.

Literature cited by the submitters: PubMed 38387458.